The following is an entry in ClinVar:

ClinVar aggregate classification (germline): Uncertain significance (1 of 4 stars; one submission).

Allele frequency attached by ClinVar (database versions not stated): TOPMed 0.00003; gnomAD 0.00002.

Submission:

Labcorp Genetics (formerly Invitae), Labcorp
Classification: Uncertain significance. Last evaluated: 2021-09-23. Review status: criteria provided, single submitter. Criteria: Invitae Variant Classification Sherloc (09022015). Collection method: clinical testing. Allele origin: germline.
Comment: This variant occurs in a non-coding region of the EYS gene. It does not change the encoded amino acid sequence of the EYS protein. The frequency data for this variant in the population databases is considered unreliable, as metrics indicate insufficient coverage at this position in the ExAC database. This variant has not been reported in the literature in individuals affected with EYS-related conditions. Experimental studies and prediction algorithms are not available or were not evaluated, and the functional significance of this variant is currently unknown. In summary, the available evidence is currently insufficient to determine the role of this variant in disease. Therefore, it has been classified as a Variant of Uncertain Significance.

NM_001142800.2(EYS):c.-529G>A

Gene: EYS (eyes shut homolog; minus strand). Cytogenetic location: 6q12.
Variant type: single nucleotide variant.
Coding change: c.-529G>A on transcript NM_001142800.2 (MANE Select); 529 bases upstream of the start codon, G replaced by A.
Molecular consequence: 5 prime UTR variant.
Genome position (GRCh38, 1-based): chr6:65,707,216, C>T on the plus strand (G>A on the coding strand, the complement: EYS is on the minus strand). VCF-style: chr6-65707216-C-T. GRCh37 (hg19) VCF-style: chr6-66417109-C-T.
Other names: c.-529G>A (NM_001142801.2, NM_001292009.2).
Identifiers: ClinVar variation 1470231 (VCV001470231.3), dbSNP rs931459704, ClinGen allele CA140459997.